The following is an entry in ClinVar:

ClinVar aggregate classification (germline): Conflicting classifications of pathogenicity. Review status: criteria provided, conflicting classifications (1 of 4 stars). 4 submissions from 4 submitters: Pathogenic (1); Likely pathogenic (1); Uncertain significance (2). Last evaluated 2025-03-18.

Conditions:
Neurofibromatosis, type 1 (NF1). Also called: Peripheral type neurofibromatosis; Neurofibromatosis, type I; VON RECKLINGHAUSEN DISEASE; NEUROFIBROMATOSIS, TYPE I, SOMATIC. Identifiers: Orphanet 636, MedGen C0027831, MONDO:0018975, OMIM 162200. Disease mechanism: loss of function.
Hereditary cancer-predisposing syndrome. Also called: Neoplastic Syndromes, Hereditary; Hereditary neoplastic syndrome; Hereditary Cancer Syndrome; Tumor predisposition. Identifiers: Orphanet 140162, MedGen C0027672, MeSH D009386, MONDO:0015356.
Cardiovascular phenotype. Identifiers: MedGen CN230736.

Submissions (4):

Labcorp Genetics (formerly Invitae), Labcorp
Classification: Pathogenic for Neurofibromatosis, type 1. Last evaluated: 2025-03-18. Review status: criteria provided, single submitter. Criteria: Invitae Variant Classification Sherloc (09022015). Collection method: clinical testing. Allele origin: germline.
Comment: This sequence change replaces threonine, which is neutral and polar, with lysine, which is basic and polar, at codon 1902 of the NF1 protein (p.Thr1902Lys). This variant is not present in population databases (gnomAD no frequency). This missense change has been observed in individual(s) with clinical features of neurofibromatosis type 1 (internal data). ClinVar contains an entry for this variant (Variation ID: 945629). Invitae Evidence Modeling of protein sequence and biophysical properties (such as structural, functional, and spatial information, amino acid conservation, physicochemical variation, residue mobility, and thermodynamic stability) indicates that this missense variant is expected to disrupt NF1 protein function with a positive predictive value of 95%. This variant disrupts the p.Thr1902 amino acid residue in NF1. Other variant(s) that disrupt this residue have been determined to be pathogenic (PMID: 25074460; internal data). This suggests that this residue is clinically significant, and that variants that disrupt this residue are likely to be disease-causing. For these reasons, this variant has been classified as Pathogenic.

Ambry Genetics
Classification: Likely pathogenic for Cardiovascular phenotype; Hereditary cancer-predisposing syndrome. Last evaluated: 2022-04-06. Review status: criteria provided, single submitter. Criteria: Ambry Variant Classification Scheme 2023. Collection method: clinical testing. Allele origin: germline.
Comment: The p.T1902K variant (also known as c.5705C>A), located in coding exon 38 of the NF1 gene, results from a C to A substitution at nucleotide position 5705. The threonine at codon 1902 is replaced by lysine, an amino acid with similar properties. This alteration has been identified in multiple individuals with a clinical diagnosis of neurofibromatosis type 1 (NF1) (Ambry internal data; Garibotto F et al. Front Oncol, 2020 Jun;10:795). This amino acid position is highly conserved in available vertebrate species. In addition, this alteration is predicted to be deleterious by in silico analysis. This missense alteration is located in a region that has a low rate of benign missense variation (Lek M et al. Nature. 2016 Aug 18;536(7616):285-91; DECIPHER: Database of Chromosomal Imbalance and Phenotype in Humans using Ensembl Resources. Firth H.V. et al. 2009. Am.J.Hum.Genet. 84, 524-533 (DOI)). This variant is considered to be rare based on population cohorts in the Genome Aggregation Database (gnomAD). Based on the majority of available evidence to date, this variant is likely to be pathogenic.

Genome-Nilou Lab
Classification: Uncertain significance for Neurofibromatosis, type 1. Last evaluated: 2022-03-15. Review status: criteria provided, single submitter. Criteria: ACMG Guidelines, 2015. Collection method: clinical testing. Allele origin: germline. Affected: no.

GeneDx
Classification: Uncertain significance. Last evaluated: 2019-04-15. Review status: criteria provided, single submitter. Criteria: GeneDx Variant Classification Process June 2021. Collection method: clinical testing. Allele origin: germline. Affected: yes.
Comment: Not observed in large population cohorts (Lek et al., 2016); In silico analysis, which includes protein predictors and evolutionary conservation, supports a deleterious effect; Has not been previously published as pathogenic or benign to our knowledge

Literature cited by the submitters: PubMed 25074460 (cited by Labcorp Genetics (formerly Invitae), Labcorp).

NM_001042492.3(NF1):c.5768C>A (p.Thr1923Lys)

Gene: NF1 (neurofibromin 1; plus strand). Cytogenetic location: 17q11.2.
Variant type: single nucleotide variant.
Coding change: c.5768C>A on transcript NM_001042492.3 (MANE Select); coding-DNA position 5768, C replaced by A.
Protein change: p.Thr1923Lys; replaces threonine 1923 with lysine.
Molecular consequence: missense variant.
Genome position (GRCh38, 1-based): chr17:31,330,454, C>A. VCF-style: chr17-31330454-C-A. GRCh37 (hg19) VCF-style: chr17-29657472-C-A.
Other names: c.5705C>A, p.Thr1902Lys (NM_000267.4); short protein forms T1923K, T1902K.
Identifiers: ClinVar variation 945629 (VCV000945629.12), dbSNP rs786203824, ClinGen allele CA399010431.